The following is an entry in ClinVar:

NM_003611.3(OFD1):c.2192C>T (p.Ser731Phe)

Gene: OFD1 (OFD1 centriole and centriolar satellite protein; plus strand). Cytogenetic location: Xp22.2.
Variant type: single nucleotide variant.
Coding change: c.2192C>T on transcript NM_003611.3 (MANE Select); coding-DNA position 2192, C replaced by T.
Protein change: p.Ser731Phe; replaces serine 731 with phenylalanine.
Molecular consequence: missense variant.
Genome position (GRCh38, 1-based): chrX:13,760,652, C>T. VCF-style: chrX-13760652-C-T. GRCh37 (hg19) VCF-style: chrX-13778771-C-T.
Other names: c.2072C>T, p.Ser691Phe (NM_001330209.2); c.1772C>T, p.Ser591Phe (NM_001330210.2); short protein forms S731F, S691F, S591F.
Identifiers: ClinVar variation 588295 (VCV000588295.13), dbSNP rs375698090, ClinGen allele CA10351946.

ClinVar aggregate classification (germline): Conflicting classifications of pathogenicity. Review status: criteria provided, conflicting classifications (1 of 4 stars). 3 submissions from 3 submitters: Uncertain significance (1); Likely benign (2). Last evaluated 2025-12-24.

Conditions:
Joubert syndrome. Also called: Familial aplasia of the vermis; JOUBERT-BOLTSHAUSER SYNDROME. Identifiers: Orphanet 475, MedGen C5979921, MONDO:0018772.
Orofaciodigital syndrome I (OFD1). Also called: Papillon-Leage and Psaume Syndrome; OFDS I; Oral-Facial-Digital Syndrome Type I. Identifiers: Orphanet 2750, MedGen C1510460, MONDO:0010702, OMIM 311200.
Primary ciliary dyskinesia. Also called: Ciliary dyskinesia. Identifiers: Orphanet 244, MedGen C0008780, MONDO:0016575, HP:0012265.

Allele frequency attached by ClinVar (database versions not stated): gnomAD exomes 0.00001 and 0.00005; ExAC 0.00005; gnomAD 0.00005 and 0.00009; ESP Exome Variant Server 0.00009; TOPMed 0.00014.
gnomAD v4.1: 24 of 1,209,577 alleles (0.002%); highest among the groups gnomAD compares: African/African-American, 0.028%; no homozygotes.

Submissions (3):

Labcorp Genetics (formerly Invitae), Labcorp
Classification: Likely benign for Orofaciodigital syndrome I; Joubert syndrome. Last evaluated: 2025-12-24. Review status: criteria provided, single submitter. Criteria: Invitae Variant Classification Sherloc (09022015). Collection method: clinical testing. Allele origin: germline.

Blueprint Genetics
Classification: Likely benign. Last evaluated: 2024-02-09. Review status: criteria provided, single submitter. Criteria: ACMG Guidelines, 2015. Collection method: clinical testing. Allele origin: germline.

Ambry Genetics
Classification: Uncertain significance for Primary ciliary dyskinesia. Last evaluated: 2016-09-28. Review status: criteria provided, single submitter. Criteria: Ambry Variant Classification Scheme 2023. Collection method: clinical testing. Allele origin: germline.
Comment: The p.S731F variant (also known as c.2192C>T), located in coding exon 16 of the OFD1 gene, results from a C to T substitution at nucleotide position 2192. The serine at codon 731 is replaced by phenylalanine, an amino acid with highly dissimilar properties. This variant was previously reported in the SNPDatabase as rs375698090. Based on data from the NHLBI Exome Sequencing Project (ESP), the T allele was absent out of 2441 total male alleles studied. This amino acid position is not well conserved in available vertebrate species. In addition, the in silico prediction for this alteration is inconclusive. Since supporting evidence is limited at this time, the clinical significance of this variant remains unclear.